The following is an entry in ClinVar:

NM_001161352.2(KCNMA1):c.3263C>T (p.Thr1088Ile)

Genes: KCNMA1 (potassium calcium-activated channel subfamily M alpha 1; minus strand), KCNMA1-AS1 (KCNMA1 antisense RNA 1; plus strand). Cytogenetic location: 10q22.3.
Variant type: single nucleotide variant.
Coding change: c.3263C>T on transcript NM_001161352.2 (MANE Select); coding-DNA position 3263, C replaced by T.
Protein change: p.Thr1088Ile; replaces threonine 1088 with isoleucine.
Molecular consequence: missense variant.
Genome position (GRCh38, 1-based): chr10:76,891,604, G>A on the plus strand (C>T on the coding strand, the complement: KCNMA1 is on the minus strand). VCF-style: chr10-76891604-G-A. GRCh37 (hg19) VCF-style: chr10-78651362-G-A.
Other names: c.3101C>T, p.Thr1034Ile (NM_001014797.3); c.3212C>T, p.Thr1071Ile (NM_001161353.2); c.2939C>T, p.Thr980Ile (NM_001271518.2); c.3179C>T, p.Thr1060Ile (NM_001271519.2); c.3098C>T, p.Thr1033Ile (NM_001322829.2, NM_001322836.2); c.3191C>T, p.Thr1064Ile (NM_001322830.2); c.3089C>T, p.Thr1030Ile (NM_001322832.2, NM_002247.4); c.3182C>T, p.Thr1061Ile (NM_001322835.2, NM_001322837.2); and 1 more; short protein forms T1030I, T1034I, T1064I, T1088I, T1033I, T1060I, T1061I, T879I.
Identifiers: ClinVar variation 834578 (VCV000834578.10), dbSNP rs769712220, ClinGen allele CA377403446.
Genomic context (GRCh38, chr10:76,891,604, plus strand): 5'-CCATCGAGCAGAGCTAACTGGGCCACGCGGCAGCGGTCCCTATTGGCCAGTGTCTGCGGG[G>A]TGCTGTAGCCACCTCTAAGGGCGTTTTCCTCAGCAATCAGAGCCTCCAGCTCCGGCGTGG-3'
Protein context (NP_001154824.1, residues 1078-1098): EENALRGGYS[Thr1088Ile]PQTLANRDRC

ClinVar aggregate classification (germline): Uncertain significance (1 of 4 stars; one submission).

Conditions:
Generalized epilepsy-paroxysmal dyskinesia syndrome (PNKD3). Also called: Paroxysmal nonkinesigenic dyskinesia, 3, with or without generalized epilepsy; Generalized epilepsy and paroxysmal dyskinesia. Identifiers: Orphanet 79137, MedGen C5574945, MONDO:0012276, OMIM 609446.

Submission:

Labcorp Genetics (formerly Invitae), Labcorp
Classification: Uncertain significance for Generalized epilepsy-paroxysmal dyskinesia syndrome. Last evaluated: 2019-03-07. Review status: criteria provided, single submitter. Criteria: Invitae Variant Classification Sherloc (09022015). Collection method: clinical testing. Allele origin: germline.
Comment: In summary, the available evidence is currently insufficient to determine the role of this variant in disease. Therefore, it has been classified as a Variant of Uncertain Significance. Algorithms developed to predict the effect of missense changes on protein structure and function (SIFT, PolyPhen-2, Align-GVGD) all suggest that this variant is likely to be disruptive, but these predictions have not been confirmed by published functional studies and their clinical significance is uncertain. This variant has not been reported in the literature in individuals with KCNMA1-related conditions. This variant is not present in population databases (ExAC no frequency). This sequence change replaces threonine with isoleucine at codon 1030 of the KCNMA1 protein (p.Thr1030Ile). The threonine residue is highly conserved and there is a moderate physicochemical difference between threonine and isoleucine.